The following is an entry in ClinVar:

NM_001853.4(COL9A3):c.1214A>T (p.Gln405Leu)

Gene: COL9A3 (collagen type IX alpha 3 chain; plus strand). Cytogenetic location: 20q13.33.
Variant type: single nucleotide variant.
Coding change: c.1214A>T on transcript NM_001853.4 (MANE Select); coding-DNA position 1214, A replaced by T.
Protein change: p.Gln405Leu; replaces glutamine 405 with leucine.
Molecular consequence: missense variant.
Genome position (GRCh38, 1-based): chr20:62,830,412, A>T. VCF-style: chr20-62830412-A-T. GRCh37 (hg19) VCF-style: chr20-61461764-A-T.
Other names: c.1214A>T (NM_001853.3); short protein forms Q405L.
Identifiers: ClinVar variation 1945767 (VCV001945767.6), dbSNP rs1372972079, ClinGen allele CA409594595.

ClinVar aggregate classification (germline): Uncertain significance. Review status: criteria provided, multiple submitters, no conflicts (2 of 4 stars). 2 submissions from 2 submitters: Uncertain significance (2). Last evaluated 2025-05-04.

Conditions:
Inborn genetic diseases. Identifiers: MedGen C0950123, MeSH D030342.

Allele frequency attached by ClinVar (database versions not stated): gnomAD exomes below 0.00001; TOPMed 0.00001; gnomAD 0.00002.
gnomAD v4.1: 6 of 1,567,740 alleles (0.00038%); highest among the groups gnomAD compares: Non-Finnish European, 0.00052%; no homozygotes.

Submissions (2):

Ambry Genetics
Classification: Uncertain significance for Inborn genetic diseases. Last evaluated: 2025-05-04. Review status: criteria provided, single submitter. Criteria: Ambry Variant Classification Scheme 2023. Collection method: clinical testing. Allele origin: germline.

Labcorp Genetics (formerly Invitae), Labcorp
Classification: Uncertain significance. Last evaluated: 2022-03-19. Review status: criteria provided, single submitter. Criteria: Invitae Variant Classification Sherloc (09022015). Collection method: clinical testing. Allele origin: germline.
Comment: This variant has not been reported in the literature in individuals affected with COL9A3-related conditions. This variant is not present in population databases (gnomAD no frequency). This sequence change replaces glutamine, which is neutral and polar, with leucine, which is neutral and non-polar, at codon 405 of the COL9A3 protein (p.Gln405Leu). In summary, the available evidence is currently insufficient to determine the role of this variant in disease. Therefore, it has been classified as a Variant of Uncertain Significance. Algorithms developed to predict the effect of sequence changes on RNA splicing suggest that this variant may disrupt the consensus splice site. Algorithms developed to predict the effect of missense changes on protein structure and function (SIFT, PolyPhen-2, Align-GVGD) all suggest that this variant is likely to be disruptive.